The following is an entry in ClinVar:

ClinVar aggregate classification (germline): Uncertain significance. Review status: criteria provided, multiple submitters, no conflicts (2 of 4 stars). 3 submissions from 3 submitters: Uncertain significance (2). 1 of the submissions does not count toward it. Last evaluated 2021-06-04.

Conditions:
Cardiomyopathy (CMYO). Also called: Cardiomyopathies. Identifiers: Orphanet 167848, MedGen C0878544, MONDO:0004994, HP:0001638. Inheritance: Various modes of inheritance.
TTN-related disorder. Also called: TTN-related condition; TTN-related disease; TTN-related disorders.

Allele frequency attached by ClinVar (database versions not stated): gnomAD 0.00002; gnomAD exomes 0.00002; TOPMed 0.00002; ExAC 0.00003.
gnomAD v4.1: 26 of 1,613,690 alleles (0.0016%); highest among the groups gnomAD compares: East Asian, 0.0022%; no homozygotes.

Submissions (3):

CHEO Genetics Diagnostic Laboratory, Children's Hospital of Eastern Ontario
Classification: Uncertain significance for Cardiomyopathy. Last evaluated: 2021-06-04. Review status: criteria provided, single submitter. Criteria: ACMG Guidelines, 2015. Collection method: clinical testing. Allele origin: germline.

Revvity Omics, Revvity
Classification: Uncertain significance. Last evaluated: 2019-06-28. Review status: criteria provided, single submitter. Criteria: ACMG Guidelines, 2015. Collection method: clinical testing. Allele origin: germline.

PreventionGenetics, part of Exact Sciences
Classification: Uncertain significance for TTN-related condition. Last evaluated: 2024-08-14. Review status: no assertion criteria provided. Collection method: clinical testing. Allele origin: germline. Not counted in ClinVar's aggregate classification.
Comment: The TTN c.88226G>A variant is predicted to result in the amino acid substitution p.Arg29409His. To our knowledge, this variant has not been reported in the literature. This variant is reported in 0.0052% of alleles in individuals of East Asian descent in gnomAD. At this time, the clinical significance of this variant is uncertain due to the absence of conclusive functional and genetic evidence.

NM_001267550.2(TTN):c.88226G>A (p.Arg29409His)

Genes: TTN (titin; minus strand), TTN-AS1 (TTN antisense RNA 1; plus strand). Cytogenetic location: 2q31.2.
Variant type: single nucleotide variant.
Coding change: c.88226G>A on transcript NM_001267550.2 (MANE Select); coding-DNA position 88226, G replaced by A.
Protein change: p.Arg29409His; replaces arginine 29409 with histidine.
Molecular consequence: missense variant.
Genome position (GRCh38, 1-based): chr2:178,556,928, C>T on the plus strand (G>A on the coding strand, the complement: TTN is on the minus strand). VCF-style: chr2-178556928-C-T. GRCh37 (hg19) VCF-style: chr2-179421655-C-T.
Other names: c.83303G>A, p.Arg27768His (NM_001256850.1); c.61031G>A, p.Arg20344His (NM_003319.4); c.80522G>A, p.Arg26841His (NM_133378.4); c.61406G>A, p.Arg20469His (NM_133432.3); c.61607G>A, p.Arg20536His (NM_133437.4); short protein forms R20344H, R20469H, R20536H, R26841H, R27768H, R29409H.
Identifiers: ClinVar variation 2437526 (VCV002437526.6), dbSNP rs753223608, ClinGen allele CA1988184.